The following is an entry in ClinVar:

NM_002635.4(SLC25A3):c.157+71C>G

Gene: SLC25A3 (solute carrier family 25 member 3; plus strand). Cytogenetic location: 12q23.1.
Variant type: single nucleotide variant.
Coding change: c.157+71C>G on transcript NM_002635.4 (MANE Select); 71 bases into the intron after coding-DNA position 157, C replaced by G.
Molecular consequence: intron variant.
Genome position (GRCh38, 1-based): chr12:98,594,206, C>G. VCF-style: chr12-98594206-C-G. GRCh37 (hg19) VCF-style: chr12-98987984-C-G.
Other names: c.157+71C>G (NM_213611.3, NM_005888.4).
Identifiers: ClinVar variation 678915 (VCV000678915.1), dbSNP rs556001030, ClinGen allele CA6732822.

ClinVar aggregate classification (germline): Likely benign (1 of 4 stars; one submission).

Allele frequency attached by ClinVar (database versions not stated): TOPMed 0.00103; 1000 Genomes Project 30x 0.00125; 1000 Genomes Project 0.00160; ExAC 0.00187; gnomAD 0.00270 and 0.00276.

Submission:

GeneDx
Classification: Likely benign. Last evaluated: 2018-06-14. Review status: criteria provided, single submitter. Criteria: GeneDx Variant Classification (06012015). Collection method: clinical testing. Allele origin: germline. Affected: yes.
Comment: This variant is considered likely benign or benign based on one or more of the following criteria: it is a conservative change, it occurs at a poorly conserved position in the protein, it is predicted to be benign by multiple in silico algorithms, and/or has population frequency not consistent with disease.